The following is an entry in ClinVar:

NM_001244008.2(KIF1A):c.3812A>C (p.His1271Pro)

Genes: KIF1A (kinesin family member 1A; minus strand), LOC126806583 (P300/CBP strongly-dependent group 1 enhancer GRCh37_chr2:241678910-241680109; plus strand). Cytogenetic location: 2q37.3.
Variant type: single nucleotide variant.
Coding change: c.3812A>C on transcript NM_001244008.2 (MANE Select); coding-DNA position 3812, A replaced by C.
Protein change: p.His1271Pro; replaces histidine 1271 with proline.
Molecular consequence: missense variant.
Genome position (GRCh38, 1-based): chr2:240,740,302, T>G on the plus strand (A>C on the coding strand, the complement: KIF1A is on the minus strand). VCF-style: chr2-240740302-T-G. GRCh37 (hg19) VCF-style: chr2-241679719-T-G.
Other names: c.3536A>C, p.His1179Pro (NM_001320705.2, NM_001330289.2, NM_001379638.1); c.3611A>C, p.His1204Pro (NM_001330290.2, NM_001379634.1, NM_001379635.1 and 1 more transcripts); c.3887A>C, p.His1296Pro (NM_001379631.1); c.3761A>C, p.His1254Pro (NM_001379632.1); c.3785A>C, p.His1262Pro (NM_001379633.1, NM_001379642.1, NM_001379645.1); c.3509A>C, p.His1170Pro (NM_001379636.1, NM_001379639.1, NM_001379641.1 and 5 more transcripts); c.3584A>C, p.His1195Pro (NM_001379637.1, NM_001379648.1); c.3506A>C, p.His1169Pro (NM_001379640.1); short protein forms H1271P, H1170P, H1179P, H1204P, H1169P, H1195P, H1254P, H1262P.
Identifiers: ClinVar variation 464237 (VCV000464237.9), dbSNP rs1553628832, ClinGen allele CA351314748.

ClinVar aggregate classification (germline): Uncertain significance (1 of 4 stars; one submission).

Conditions:
Neuropathy, hereditary sensory, type 2C. Also called: Hereditary sensory and autonomic neuropathy type IIC; KIF1A-Related HSAN2 (HSAN2C). Identifiers: Orphanet 970, MedGen C3280168, MONDO:0013634, OMIM 614213.
Intellectual disability, autosomal dominant 9 (NESCAVS). Also called: NESCAV SYNDROME; KIF1A-Related Neurodevelopmental Disorder. Identifiers: Orphanet 662367, MedGen C5393830, MONDO:0013656, OMIM 614255.
Hereditary spastic paraplegia 30. Identifiers: Orphanet 101010, MedGen C5235139, MONDO:0012476.

Submission:

Labcorp Genetics (formerly Invitae), Labcorp
Classification: Uncertain significance for Hereditary spastic paraplegia 30; Neuropathy, hereditary sensory, type 2C; Intellectual disability, autosomal dominant 9. Last evaluated: 2020-01-20. Review status: criteria provided, single submitter. Criteria: Invitae Variant Classification Sherloc (09022015). Collection method: clinical testing. Allele origin: germline.
Comment: In summary, the available evidence is currently insufficient to determine the role of this variant in disease. Therefore, it has been classified as a Variant of Uncertain Significance. Algorithms developed to predict the effect of missense changes on protein structure and function are either unavailable or do not agree on the potential impact of this missense change (SIFT: "Deleterious"; PolyPhen-2: "Benign"; Align-GVGD: "Class C65"). This variant has not been reported in the literature in individuals with KIF1A-related conditions. This variant is not present in population databases (ExAC no frequency). This sequence change replaces histidine with proline at codon 1170 of the KIF1A protein (p.His1170Pro). The histidine residue is highly conserved and there is a moderate physicochemical difference between histidine and proline.